The following is an entry in ClinVar:

ClinVar aggregate classification (germline): Uncertain significance (1 of 4 stars; one submission).

Conditions:
Neutropenia, severe congenital, 2, autosomal dominant. Identifiers: Orphanet 486, MedGen C2751288, MONDO:0013139, OMIM 613107.

gnomAD v4.1: 2 of 1,541,878 alleles (0.00013%); highest among the groups gnomAD compares: East Asian, 0.0025%; no homozygotes.

Submission:

Labcorp Genetics (formerly Invitae), Labcorp
Classification: Uncertain significance for Neutropenia, severe congenital, 2, autosomal dominant. Last evaluated: 2024-02-23. Review status: criteria provided, single submitter. Criteria: Invitae Variant Classification Sherloc (09022015). Collection method: clinical testing. Allele origin: germline.
Comment: This sequence change replaces serine, which is neutral and polar, with arginine, which is basic and polar, at codon 186 of the GFI1 protein (p.Ser186Arg). This variant is not present in population databases (gnomAD no frequency). This variant has not been reported in the literature in individuals affected with GFI1-related conditions. Advanced modeling of protein sequence and biophysical properties (such as structural, functional, and spatial information, amino acid conservation, physicochemical variation, residue mobility, and thermodynamic stability) performed at Invitae indicates that this missense variant is not expected to disrupt GFI1 protein function with a negative predictive value of 80%. In summary, the available evidence is currently insufficient to determine the role of this variant in disease. Therefore, it has been classified as a Variant of Uncertain Significance.

NM_005263.5(GFI1):c.558C>A (p.Ser186Arg)

Gene: GFI1 (growth factor independent 1 transcriptional repressor; minus strand). Cytogenetic location: 1p22.1.
Variant type: single nucleotide variant.
Coding change: c.558C>A on transcript NM_005263.5 (MANE Select); coding-DNA position 558, C replaced by A.
Protein change: p.Ser186Arg; replaces serine 186 with arginine.
Molecular consequence: missense variant.
Genome position (GRCh38, 1-based): chr1:92,480,829, G>T on the plus strand (C>A on the coding strand, the complement: GFI1 is on the minus strand). VCF-style: chr1-92480829-G-T. GRCh37 (hg19) VCF-style: chr1-92946386-G-T.
Other names: c.558C>A, p.Ser186Arg (NM_001127215.3, NM_001127216.3); short protein forms S186R.
Identifiers: ClinVar variation 3642971 (VCV003642971.2).